The following is an entry in ClinVar:

ClinVar aggregate classification (germline): Likely pathogenic (1 of 4 stars; one submission).

Conditions:
Rabson-Mendenhall syndrome. Also called: MENDENHALL SYNDROME; Pineal Hyperplasia, Insulin-Resistant Diabetes Mellitus, and Somatic Abnormalities; Pineal hyperplasia AND diabetes mellitus syndrome. Identifiers: Orphanet 769, MedGen C0271695, MONDO:0009874, OMIM 262190.

gnomAD v4.1: 4 of 1,608,752 alleles (0.00025%); highest among the groups gnomAD compares: Non-Finnish European, 0.00034%; no homozygotes.

Submission:

Dubai Health Genomic Medicine Center, Dubai Health
Classification: Likely pathogenic for Rabson-Mendenhall syndrome. Last evaluated: 2024-10-04. Review status: criteria provided, single submitter. Criteria: ACMG Guidelines, 2015. Collection method: research. Allele origin: germline. Affected: yes.
Comment: PP1,PM3(moderate),PM2,PP3

NM_000208.4(INSR):c.3356G>A (p.Arg1119Gln)

Gene: INSR (insulin receptor; minus strand). Cytogenetic location: 19p13.2.
Variant type: single nucleotide variant.
Coding change: c.3356G>A on transcript NM_000208.4 (MANE Select); coding-DNA position 3356, G replaced by A.
Protein change: p.Arg1119Gln; replaces arginine 1119 with glutamine.
Molecular consequence: missense variant.
Genome position (GRCh38, 1-based): chr19:7,122,892, C>T on the plus strand (G>A on the coding strand, the complement: INSR is on the minus strand). VCF-style: chr19-7122892-C-T. GRCh37 (hg19) VCF-style: chr19-7122903-C-T.
Other names: c.3320G>A, p.Arg1107Gln (NM_001079817.3); short protein forms R1107Q, R1119Q.
Identifiers: ClinVar variation 3384040 (VCV003384040.1).